The following is an entry in ClinVar:

ClinVar aggregate classification (germline): Conflicting classifications of pathogenicity. Review status: criteria provided, conflicting classifications (1 of 4 stars). 8 submissions from 8 submitters: Uncertain significance (3); Likely benign (1). 4 of the submissions do not count toward it. Last evaluated 2025-10-26.

Conditions:
Cardiovascular phenotype. Identifiers: MedGen CN230736.
Autosomal recessive limb-girdle muscular dystrophy type 2J (LGMDR10). Also called: MUSCULAR DYSTROPHY, LIMB-GIRDLE, AUTOSOMAL RECESSIVE 10; Limb-girdle muscular dystrophy, type 2J. Identifiers: Orphanet 140922, MedGen C1837342, MONDO:0012127, OMIM 608807.
Dilated cardiomyopathy 1G (CMD1G). Identifiers: Orphanet 154, MedGen C1858763, MONDO:0011400, OMIM 604145.

Allele frequency attached by ClinVar (database versions not stated): gnomAD exomes 0.00001; TOPMed 0.00003; gnomAD 0.00005 and 0.00006.
gnomAD v4.1: 27 of 1,612,146 alleles (0.0017%); highest among the groups gnomAD compares: African/African-American, 0.0027%; no homozygotes.

Submissions (8):

Labcorp Genetics (formerly Invitae), Labcorp
Classification: Likely benign for Dilated cardiomyopathy 1G; Autosomal recessive limb-girdle muscular dystrophy type 2J. Last evaluated: 2025-10-26. Review status: criteria provided, single submitter. Criteria: Invitae Variant Classification Sherloc (09022015). Collection method: clinical testing. Allele origin: germline.

Ambry Genetics
Classification: Uncertain significance for Cardiovascular phenotype. Last evaluated: 2023-07-19. Review status: criteria provided, single submitter. Criteria: Ambry Variant Classification Scheme 2023. Collection method: clinical testing. Allele origin: germline.
Comment: The c.37478-5T>C intronic variant results from a T to C substitution 5 nucleotides upstream from coding exon 137 in the TTN gene. This nucleotide position is not well conserved in available vertebrate species. In silico splice site analysis predicts that this alteration will not have any significant effect on splicing. Since supporting evidence is limited at this time, the clinical significance of this alteration remains unclear.

CeGaT Center for Human Genetics Tuebingen
Classification: Uncertain significance. Last evaluated: 2022-05-01. Review status: criteria provided, single submitter. Criteria: CeGaT Center For Human Genetics Tuebingen Variant Classification Criteria Version 2. Collection method: clinical testing. Allele origin: germline. Affected: yes. Observed: 1 variant allele.
Comment: TTN: PM2, BP4

Eurofins Ntd Llc (ga)
Classification: Uncertain significance. Last evaluated: 2018-01-12. Review status: criteria provided, single submitter. Criteria: EGL Classification Definitions 2015. Collection method: clinical testing. Allele origin: germline. Observed: 1 variant allele, 1 heterozygote.

Clinical Genetics DNA and cytogenetics Diagnostics Lab, Erasmus MC, Erasmus Medical Center
Classification: Benign. Review status: no assertion criteria provided. Collection method: clinical testing. Allele origin: germline. Affected: yes. Study: VKGL Data-share Consensus. Not counted in ClinVar's aggregate classification.

Diagnostic Laboratory, Department of Genetics, University Medical Center Groningen
Classification: Likely benign. Review status: no assertion criteria provided. Collection method: clinical testing. Allele origin: germline. Affected: yes. Study: VKGL Data-share Consensus. Not counted in ClinVar's aggregate classification.

Genome Diagnostics Laboratory, University Medical Center Utrecht
Classification: Likely benign. Review status: no assertion criteria provided. Collection method: clinical testing. Allele origin: germline. Affected: yes. Study: VKGL Data-share Consensus. Not counted in ClinVar's aggregate classification.

Joint Genome Diagnostic Labs from Nijmegen and Maastricht, Radboudumc and MUMC+
Classification: Likely benign. Review status: no assertion criteria provided. Collection method: clinical testing. Allele origin: germline. Affected: yes. Study: VKGL Data-share Consensus. Not counted in ClinVar's aggregate classification.

NM_001267550.2(TTN):c.64673-5T>C

Genes: TTN (titin; minus strand), TTN-AS1 (TTN antisense RNA 1; plus strand). Cytogenetic location: 2q31.2.
Variant type: single nucleotide variant.
Coding change: c.64673-5T>C on transcript NM_001267550.2 (MANE Select); 5 bases into the intron before coding-DNA position 64673, T replaced by C.
Molecular consequence: intron variant. On other transcripts: non-coding transcript variant (1).
Genome position (GRCh38, 1-based): chr2:178,584,973, A>G on the plus strand (T>C on the coding strand, the complement: TTN is on the minus strand). VCF-style: chr2-178584973-A-G. GRCh37 (hg19) VCF-style: chr2-179449700-A-G.
Other names: c.37478-5T>C (NM_003319.4); c.38054-5T>C (NM_133437.4); c.37853-5T>C (NM_133432.3); c.56969-5T>C (NM_133378.4); c.59750-5T>C (NM_001256850.1).
Identifiers: ClinVar variation 595769 (VCV000595769.55), dbSNP rs530496528, ClinGen allele CA60962359.
Genomic context (GRCh38, chr2:178,584,973, plus strand): 5'-AGCATCAGCGTCTATATCAGAAATGTCAAATGGAGGCTGAGGGGGGCCGGGGGCATCTAC[A>G]TGAACCAAGAGGAAAGAAATGTAAGAACAAGGATTTGATACGTAAAAATATTTCTGAGCT-3'